The following is an entry in ClinVar:

NM_004655.4(AXIN2):c.2438C>G (p.Ala813Gly)

Gene: AXIN2 (axin 2; minus strand). Cytogenetic location: 17q24.1.
Variant type: single nucleotide variant.
Coding change: c.2438C>G on transcript NM_004655.4 (MANE Select); coding-DNA position 2438, C replaced by G.
Protein change: p.Ala813Gly; replaces alanine 813 with glycine.
Molecular consequence: missense variant.
Genome position (GRCh38, 1-based): chr17:65,530,070, G>C on the plus strand (C>G on the coding strand, the complement: AXIN2 is on the minus strand). VCF-style: chr17-65530070-G-C. GRCh37 (hg19) VCF-style: chr17-63526188-G-C.
Other names: c.2243C>G, p.Ala748Gly (NM_001363813.1); short protein forms A813G, A748G.
Identifiers: ClinVar variation 3640103 (VCV003640103.2).

ClinVar aggregate classification (germline): Uncertain significance (1 of 4 stars; one submission).

Conditions:
Oligodontia-cancer predisposition syndrome. Also called: TOOTH AGENESIS-COLORECTAL CANCER SYNDROME. Identifiers: Orphanet 300576, MedGen C1837750, MONDO:0012075, OMIM 608615. Disease mechanism: loss of function.

Submission:

Labcorp Genetics (formerly Invitae), Labcorp
Classification: Uncertain significance for Oligodontia-cancer predisposition syndrome. Last evaluated: 2024-02-11. Review status: criteria provided, single submitter. Criteria: Invitae Variant Classification Sherloc (09022015). Collection method: clinical testing. Allele origin: germline.
Comment: This sequence change replaces alanine, which is neutral and non-polar, with glycine, which is neutral and non-polar, at codon 813 of the AXIN2 protein (p.Ala813Gly). This variant is not present in population databases (gnomAD no frequency). This variant has not been reported in the literature in individuals affected with AXIN2-related conditions. Advanced modeling of protein sequence and biophysical properties (such as structural, functional, and spatial information, amino acid conservation, physicochemical variation, residue mobility, and thermodynamic stability) performed at Invitae indicates that this missense variant is not expected to disrupt AXIN2 protein function with a negative predictive value of 80%. In summary, the available evidence is currently insufficient to determine the role of this variant in disease. Therefore, it has been classified as a Variant of Uncertain Significance.